The following is an entry in ClinVar:

NM_006662.3(SRCAP):c.9664A>G (p.Ser3222Gly)

Gene: SRCAP (Snf2 related CREBBP activator protein; plus strand). Cytogenetic location: 16p11.2.
Variant type: single nucleotide variant.
Coding change: c.9664A>G on transcript NM_006662.3 (MANE Select); coding-DNA position 9664, A replaced by G.
Protein change: p.Ser3222Gly; replaces serine 3222 with glycine.
Molecular consequence: missense variant.
Genome position (GRCh38, 1-based): chr16:30,739,704, A>G. VCF-style: chr16-30739704-A-G. GRCh37 (hg19) VCF-style: chr16-30751025-A-G.
Other names: c.9664A>G (NM_006662.2); short protein forms S3222G.
Identifiers: ClinVar variation 2075155 (VCV002075155.6), dbSNP rs778843215, ClinGen allele CA8012975.

ClinVar aggregate classification (germline): Conflicting classifications of pathogenicity. Review status: criteria provided, conflicting classifications (1 of 4 stars). 3 submissions from 3 submitters: Uncertain significance (1); Likely benign (1). 1 of the submissions does not count toward it. Last evaluated 2025-12-20.

Conditions:
Developmental delay, hypotonia, musculoskeletal defects, and behavioral abnormalities. Identifiers: MedGen C5562012, MONDO:0859202, OMIM 619595.
Floating-Harbor syndrome (FLHS). Also called: Short stature with delayed bone age, expressive language delay, a triangular face with a prominent nose and deep-set eyes; Pelletier-Leisti syndrome; SRCAP-Related Floating-Harbor Syndrome. Identifiers: Orphanet 2044, MedGen C0729582, MONDO:0007621, OMIM 136140.
SRCAP-related disorder. Also called: SRCAP-related condition.

Allele frequency attached by ClinVar (database versions not stated): gnomAD 0.00001; gnomAD exomes 0.00002; ExAC 0.00007; TOPMed 0.00007.
gnomAD v4.1: 23 of 1,509,718 alleles (0.0015%); highest among the groups gnomAD compares: Admixed American, 0.042%; no homozygotes.

Submissions (3):

Labcorp Genetics (formerly Invitae), Labcorp
Classification: Uncertain significance. Last evaluated: 2025-12-20. Review status: criteria provided, single submitter. Criteria: Invitae Variant Classification Sherloc (09022015). Collection method: clinical testing. Allele origin: germline.
Comment: This sequence change replaces serine, which is neutral and polar, with glycine, which is neutral and non-polar, at codon 3222 of the SRCAP protein (p.Ser3222Gly). This variant is present in population databases (rs778843215, gnomAD 0.07%), and has an allele count higher than expected for a pathogenic variant. This variant has not been reported in the literature in individuals affected with SRCAP-related conditions. ClinVar contains an entry for this variant (Variation ID: 2075155). Invitae Evidence Modeling of protein sequence and biophysical properties (such as structural, functional, and spatial information, amino acid conservation, physicochemical variation, residue mobility, and thermodynamic stability) has been performed for this missense variant. However, the output from this modeling did not meet the statistical confidence thresholds required to predict the impact of this variant on SRCAP protein function. In summary, the available evidence is currently insufficient to determine the role of this variant in disease. Therefore, it has been classified as a Variant of Uncertain Significance.

Fulgent Genetics
Classification: Likely benign for Floating-Harbor syndrome; Developmental delay, hypotonia, musculoskeletal defects, and behavioral abnormalities. Last evaluated: 2024-06-18. Review status: criteria provided, single submitter. Criteria: ACMG Guidelines, 2015. Collection method: clinical testing. Allele origin: germline.

PreventionGenetics, part of Exact Sciences
Classification: Likely benign for SRCAP-related condition. Last evaluated: 2024-05-15. Review status: no assertion criteria provided. Collection method: clinical testing. Allele origin: germline. Not counted in ClinVar's aggregate classification.
Comment: This variant is classified as likely benign based on ACMG/AMP sequence variant interpretation guidelines (Richards et al. 2015 PMID: 25741868, with internal and published modifications).